The following is an entry in ClinVar:

ClinVar aggregate classification (germline): Uncertain significance (1 of 4 stars; one submission).

Submission:

Labcorp Genetics (formerly Invitae), Labcorp
Classification: Uncertain significance. Last evaluated: 2025-08-02. Review status: criteria provided, single submitter. Criteria: Invitae Variant Classification Sherloc (09022015). Collection method: clinical testing. Allele origin: germline.
Comment: This sequence change replaces methionine, which is neutral and non-polar, with isoleucine, which is neutral and non-polar, at codon 1022 of the ARID1A protein (p.Met1022Ile). This variant is not present in population databases (gnomAD no frequency). This variant has not been reported in the literature in individuals affected with ARID1A-related conditions. Invitae Evidence Modeling of protein sequence and biophysical properties (such as structural, functional, and spatial information, amino acid conservation, physicochemical variation, residue mobility, and thermodynamic stability) indicates that this missense variant is not expected to disrupt ARID1A protein function with a negative predictive value of 80%. In summary, the available evidence is currently insufficient to determine the role of this variant in disease. Therefore, it has been classified as a Variant of Uncertain Significance.

NM_006015.6(ARID1A):c.3066G>A (p.Met1022Ile)

Gene: ARID1A (AT-rich interaction domain 1A; plus strand). Cytogenetic location: 1p36.11.
Variant type: single nucleotide variant.
Coding change: c.3066G>A on transcript NM_006015.6 (MANE Select); coding-DNA position 3066, G replaced by A.
Protein change: p.Met1022Ile; replaces methionine 1022 with isoleucine.
Molecular consequence: missense variant.
Genome position (GRCh38, 1-based): chr1:26,767,867, G>A. VCF-style: chr1-26767867-G-A. GRCh37 (hg19) VCF-style: chr1-27094358-G-A.
Other names: c.3066G>A, p.Met1022Ile (NM_139135.4); short protein forms M1022I.
Identifiers: ClinVar variation 4742115 (VCV004742115.1).